The following is an entry in ClinVar:

NM_001081.4(CUBN):c.703C>T (p.Arg235Ter)

Genes: CUBN (cubilin; minus strand), LOC126860871 (MED14-independent group 3 enhancer GRCh37_chr10:17157167-17158366; plus strand). Cytogenetic location: 10p13.
Variant type: single nucleotide variant.
Coding change: c.703C>T on transcript NM_001081.4 (MANE Select); coding-DNA position 703, C replaced by T.
Protein change: p.Arg235Ter; replaces arginine 235 with a stop codon.
Molecular consequence: nonsense.
Genome position (GRCh38, 1-based): chr10:17,115,488, G>A on the plus strand (C>T on the coding strand, the complement: CUBN is on the minus strand). VCF-style: chr10-17115488-G-A. GRCh37 (hg19) VCF-style: chr10-17157487-G-A.
Other names: short protein forms R235*.
Identifiers: ClinVar variation 942574 (VCV000942574.10), dbSNP rs1461982823, ClinGen allele CA376166461.
Genomic context (GRCh38, chr10:17,115,488, plus strand): 5'-CCATGGCTCTCTGCAAGGAGGCACATTTGGGGAAGGGACCCACCTCTCCAGCTTGCTCTC[G>A]CATTAAATCCTCACAGATGCCATGGACACAGCGTGCCACAGAACCCCCTTCACAGTCGTC-3'

ClinVar aggregate classification (germline): Pathogenic/Likely pathogenic. Review status: criteria provided, multiple submitters, no conflicts (2 of 4 stars). 3 submissions from 3 submitters: Pathogenic (1); Likely pathogenic (2). Last evaluated 2022-05-05.

Conditions:
Imerslund-Grasbeck syndrome type 1 (IGS1). Also called: MEGALOBLASTIC ANEMIA, 1; Megaloblastic anemia 1, Finnish type; Imerslund-Gräsbeck syndrome 1. Identifiers: MedGen C4016819, MONDO:0100156, OMIM 261100.
Proteinuria, chronic benign. Identifiers: MedGen C5394384, MONDO:0030042, OMIM 618884.
CUBN-related disorders.
Imerslund-Grasbeck syndrome. Also called: PERNICIOUS ANEMIA, JUVENILE, DUE TO SELECTIVE INTESTINAL MALABSORPTION OF VITAMIN B12, WITH PROTEINURIA; ENTEROCYTE COBALAMIN MALABSORPTION; ENTEROCYTE INTRINSIC FACTOR RECEPTOR, DEFECT OF; Megaloblastic anemia due to inborn errors of metabolism; Imerslund-Gräsbeck syndrome. Identifiers: Orphanet 35858, MedGen C4551825, MONDO:0009853.

Allele frequency attached by ClinVar (database versions not stated): gnomAD 0.00001; TOPMed 0.00002.
gnomAD v4.1: 30 of 1,613,744 alleles (0.0019%); highest among the groups gnomAD compares: Non-Finnish European, 0.0025%; no homozygotes.

Submissions (3):

Labcorp Genetics (formerly Invitae), Labcorp
Classification: Pathogenic for Imerslund-Grasbeck syndrome. Last evaluated: 2022-05-05. Review status: criteria provided, single submitter. Criteria: Invitae Variant Classification Sherloc (09022015). Collection method: clinical testing. Allele origin: germline.
Comment: For these reasons, this variant has been classified as Pathogenic. Algorithms developed to predict the effect of sequence changes on RNA splicing suggest that this variant may disrupt the consensus splice site. ClinVar contains an entry for this variant (Variation ID: 942574). This variant has not been reported in the literature in individuals affected with CUBN-related conditions. This variant is not present in population databases (gnomAD no frequency). This sequence change creates a premature translational stop signal (p.Arg235*) in the CUBN gene. It is expected to result in an absent or disrupted protein product. Loss-of-function variants in CUBN are known to be pathogenic (PMID: 15024727, 22929189).

Fulgent Genetics
Classification: Likely pathogenic for Imerslund-Grasbeck syndrome type 1; Proteinuria, chronic benign. Last evaluated: 2021-12-16. Review status: criteria provided, single submitter. Criteria: ACMG Guidelines, 2015. Collection method: clinical testing. Allele origin: unknown.

Blueprint Genetics
Classification: Likely pathogenic for CUBN-related disorders. Last evaluated: 2019-11-15. Review status: criteria provided, single submitter. Criteria: ACMG Guidelines, 2015. Collection method: clinical testing. Allele origin: germline. Affected: yes. Observed: 1 variant allele.

Literature cited by the submitters: PubMed 15024727 (cited by Labcorp Genetics (formerly Invitae), Labcorp); PubMed 22929189 (cited by Labcorp Genetics (formerly Invitae), Labcorp).